The following is an entry in ClinVar:

ClinVar aggregate classification (germline): Uncertain significance (1 of 4 stars; one submission).

Conditions:
Senior-Loken syndrome 8 (SLSN8). Identifiers: Orphanet 3156, MedGen C4225376, MONDO:0014579, OMIM 616307.
Asphyxiating thoracic dystrophy 5 (SRTD5). Also called: SHORT-RIB THORACIC DYSPLASIA 5 WITH OR WITHOUT POLYDACTYLY; SHORT-RIB THORACIC DYSPLASIA 5 WITHOUT POLYDACTYLY. Identifiers: Orphanet 474, MedGen C3280598, MONDO:0013717, OMIM 614376.

Submission:

Labcorp Genetics (formerly Invitae), Labcorp
Classification: Uncertain significance for Senior-Loken syndrome 8; Asphyxiating thoracic dystrophy 5. Last evaluated: 2022-09-19. Review status: criteria provided, single submitter. Criteria: Invitae Variant Classification Sherloc (09022015). Collection method: clinical testing. Allele origin: germline.
Comment: Advanced modeling of protein sequence and biophysical properties (such as structural, functional, and spatial information, amino acid conservation, physicochemical variation, residue mobility, and thermodynamic stability) performed at Invitae indicates that this missense variant is not expected to disrupt WDR19 protein function. This variant has not been reported in the literature in individuals affected with WDR19-related conditions. This variant is not present in population databases (gnomAD no frequency). This sequence change replaces threonine, which is neutral and polar, with alanine, which is neutral and non-polar, at codon 210 of the WDR19 protein (p.Thr210Ala). In summary, the available evidence is currently insufficient to determine the role of this variant in disease. Therefore, it has been classified as a Variant of Uncertain Significance.

NM_025132.4(WDR19):c.628A>G (p.Thr210Ala)

Gene: WDR19 (WD repeat domain 19; plus strand). Cytogenetic location: 4p14.
Variant type: single nucleotide variant.
Coding change: c.628A>G on transcript NM_025132.4 (MANE Select); coding-DNA position 628, A replaced by G.
Protein change: p.Thr210Ala; replaces threonine 210 with alanine.
Molecular consequence: missense variant.
Genome position (GRCh38, 1-based): chr4:39,205,178, A>G. VCF-style: chr4-39205178-A-G. GRCh37 (hg19) VCF-style: chr4-39206798-A-G.
Other names: c.148A>G, p.Thr50Ala (NM_001317924.2); short protein forms T50A, T210A.
Identifiers: ClinVar variation 1924598 (VCV001924598.5), dbSNP rs913477341, ClinGen allele CA95686083.